The following is an entry in ClinVar:

ClinVar aggregate classification (germline): Likely pathogenic (1 of 4 stars; one submission).

Conditions:
Fanconi anemia (FA). Also called: Fanconi's anemia. Identifiers: Orphanet 84, MedGen C0015625, MeSH D005199, MONDO:0019391.

Submission:

Natera, Inc.
Classification: Likely pathogenic for Fanconi anemia. Last evaluated: 2024-09-22. Review status: criteria provided, single submitter. Criteria: Natera Variant Classification Schema (03/2026). Collection method: clinical testing. Allele origin: germline.
Comment: The c.1851_1852del variant in FANCA is a frameshift variant predicted to shift the reading frame beginning at codon 618 and leads to a stop codon 11 codons downstream. This variant is expected to result in nonsense mediated decay, truncation, or a dysfunctional protein product. This variant is rare in the general population with a frequency below the threshold expected for the associated phenotype(s). Given the available evidence, this variant is classified as Likely Pathogenic.

NM_000135.4(FANCA):c.1851_1852del (p.Tyr618fs)

Gene: FANCA (FA complementation group A; minus strand). Cytogenetic location: 16q24.3.
Variant type: Deletion.
Coding change: c.1851_1852del on transcript NM_000135.4 (MANE Select); coding-DNA positions 1851 to 1852, 2 bases deleted (GT; older notation c.1851_1852delGT).
Protein change: p.Tyr618fs; shifts the reading frame from tyrosine 618.
Molecular consequence: frameshift variant.
Genome position (GRCh38, 1-based): chr16:89,775,790-89,775,791, AC deleted on the plus strand (GT on the coding strand, the reverse complement: FANCA is on the minus strand); deleting any 2 consecutive bases within chr16:89,775,790-89,775,792 gives the same sequence; the c. name uses the placement nearest the transcript's 3' end. VCF-style (leftmost placement, unchanged base first): chr16-89775789-TAC-T. GRCh37 (hg19) VCF-style: chr16-89842197-TAC-T.
Other names: c.1851_1852del, p.Tyr618fs (NM_001286167.3); short protein forms Y618fs.
Identifiers: ClinVar variation 4817515 (VCV004817515.1).